The following is an entry in ClinVar:

NM_080916.3(DGUOK):c.737C>G (p.Pro246Arg)

Genes: DGUOK-AS1 (DGUOK antisense RNA 1; minus strand), DGUOK (deoxyguanosine kinase; plus strand). Cytogenetic location: 2p13.1.
Variant type: single nucleotide variant.
Coding change: c.737C>G on transcript NM_080916.3 (MANE Select); coding-DNA position 737, C replaced by G.
Protein change: p.Pro246Arg; replaces proline 246 with arginine.
Molecular consequence: missense variant. On other transcripts: non-coding transcript variant (8).
Genome position (GRCh38, 1-based): chr2:73,958,175, C>G. VCF-style: chr2-73958175-C-G. GRCh37 (hg19) VCF-style: chr2-74185302-C-G.
Other names: c.455C>G, p.Pro152Arg (NM_001318859.2); c.446C>G, p.Pro149Arg (NM_001318860.2, NM_001318861.2); c.428C>G, p.Pro143Arg (NM_001318862.2, NM_001318863.2); c.473C>G, p.Pro158Arg (NM_080918.3); short protein forms P143R, P246R, P149R, P152R, P158R.
Identifiers: ClinVar variation 2203106 (VCV002203106.4), dbSNP rs780483507, ClinGen allele CA1718348.

ClinVar aggregate classification (germline): Uncertain significance (1 of 4 stars; one submission).

Allele frequency attached by ClinVar (database versions not stated): ExAC 0.00003.
gnomAD v4.1: 4 of 1,613,764 alleles (0.00025%); highest among the groups gnomAD compares: Non-Finnish European, 0.00034%; no homozygotes.

Submission:

Labcorp Genetics (formerly Invitae), Labcorp
Classification: Uncertain significance. Last evaluated: 2022-05-06. Review status: criteria provided, single submitter. Criteria: Invitae Variant Classification Sherloc (09022015). Collection method: clinical testing. Allele origin: germline.
Comment: This missense change has been observed in individual(s) with DGUOK-related conditions (PMID: 17452231). This variant is present in population databases (rs780483507, gnomAD 0.004%). This sequence change replaces proline, which is neutral and non-polar, with arginine, which is basic and polar, at codon 246 of the DGUOK protein (p.Pro246Arg). In summary, the available evidence is currently insufficient to determine the role of this variant in disease. Therefore, it has been classified as a Variant of Uncertain Significance. Algorithms developed to predict the effect of missense changes on protein structure and function are either unavailable or do not agree on the potential impact of this missense change (SIFT: "Tolerated"; PolyPhen-2: "Probably Damaging"; Align-GVGD: "Class C0").

Literature cited by the submitters: PubMed 17452231.